The following is an entry in ClinVar:

NM_001845.6(COL4A1):c.2891A>G (p.Glu964Gly)

Gene: COL4A1 (collagen type IV alpha 1 chain; minus strand). Cytogenetic location: 13q34.
Variant type: single nucleotide variant.
Coding change: c.2891A>G on transcript NM_001845.6 (MANE Select); coding-DNA position 2891, A replaced by G.
Protein change: p.Glu964Gly; replaces glutamic acid 964 with glycine.
Molecular consequence: missense variant.
Genome position (GRCh38, 1-based): chr13:110,176,703, T>C on the plus strand (A>G on the coding strand, the complement: COL4A1 is on the minus strand). VCF-style: chr13-110176703-T-C. GRCh37 (hg19) VCF-style: chr13-110829050-T-C.
Other names: short protein forms E964G.
Identifiers: ClinVar variation 4072607 (VCV004072607.1).

ClinVar aggregate classification (germline): Uncertain significance (1 of 4 stars; one submission).

Submission:

GeneDx
Classification: Uncertain significance. Last evaluated: 2025-01-29. Review status: criteria provided, single submitter. Criteria: GeneDx Variant Classification Process June 2021. Collection method: clinical testing. Allele origin: germline. Affected: yes.
Comment: Has not been previously published as pathogenic or benign to our knowledge; Not observed at significant frequency in large population cohorts (gnomAD); In silico analysis indicates that this missense variant does not alter protein structure/function; Occurs in the triple helical domain at the X position in the canonical Gly-X-Y repeat; although this variant may have an effect on normal protein folding and function, missense substitution at the X position is not a common mechanism of disease